The following is an entry in ClinVar:

NM_000093.5(COL5A1):c.5370+3_5370+8delinsC

Genes: COL5A1 (collagen type V alpha 1 chain; plus strand), LOC101448202 (uncharacterized LOC101448202; minus strand). Cytogenetic location: 9q34.3.
Variant type: Indel.
Coding change: c.5370+3_5370+8delinsC on transcript NM_000093.5 (MANE Select); bases 3 to 8 of the intron after coding-DNA position 5370, GAGTAT replaced by C.
Molecular consequence: intron variant.
Genome position (GRCh38, 1-based): chr9:134,835,207-134,835,212, GAGTAT replaced by C. VCF-style: chr9-134835207-GAGTAT-C. GRCh37 (hg19) VCF-style: chr9-137727053-GAGTAT-C.
Other names: c.5370+3_5370+8delinsC (NM_001278074.1).
Identifiers: ClinVar variation 421201 (VCV000421201.2), dbSNP rs1064794972, ClinGen allele CA16618792.

ClinVar aggregate classification (germline): Likely pathogenic (1 of 4 stars; one submission).

Submission:

GeneDx
Classification: Likely pathogenic. Last evaluated: 2016-05-13. Review status: criteria provided, single submitter. Criteria: GeneDx Variant Classification (06012015). Collection method: clinical testing. Allele origin: germline. Affected: yes.
Comment: Although the c.5370+3_5370+8delGAGTATinsC variant has not been reported as a pathogenicvariant or as a benign variant to our knowledge, it destroys the natural donor site in intron 65 and ispredicted to cause abnormal gene splicing. Multiple other splice site variants in the COL5A1 genehave been reported in HGMD in association with EDS, including another splice variant at this samedonor site (Stenson et al., 2014). Furthermore, the c.5370+3_5370+8delGAGTATinsC variant was notobserved in approximately 6,500 individuals of European and African American ancestry in theNHLBI Exome Sequencing Project, indicating it is not a common benign variant in these populations.In summary, c.5370+3_5370+8delGAGTATinsC in the COL5A1 gene is expected to be pathogenic, however the possibility it may be a rare benign variant cannot be excluded.